The following is an entry in ClinVar:

ClinVar aggregate classification (germline): Benign/Likely benign. Review status: criteria provided, multiple submitters, no conflicts (2 of 4 stars). 12 submissions from 11 submitters: Benign (3); Likely benign (7). 2 of the submissions do not count toward it. Last evaluated 2026-02-01.

Conditions:
Connective tissue disorder. Also called: Connective tissue disease. Identifiers: MedGen C0009782, MONDO:0003900.
NOTCH1-related disorder. Also called: NOTCH1-related condition; NOTCH1-related disorders.
Adams-Oliver syndrome 5 (AOS5). Identifiers: Orphanet 974, MedGen C4014970, MONDO:0014459, OMIM 616028.
Familial thoracic aortic aneurysm and aortic dissection (TAAD). Also called: Thoracic aortic aneurysms and dissections. Identifiers: Orphanet 91387, MedGen C4707243, MONDO:0019625.
Aortic valve disease 1 (AOVD1). Identifiers: MedGen C3887892, MONDO:0024523, OMIM 109730.

Allele frequency attached by ClinVar (database versions not stated): 1000 Genomes Project 30x 0.00016; 1000 Genomes Project 0.00020; ESP Exome Variant Server 0.00039; TOPMed 0.00054; gnomAD 0.00056 and 0.00060; gnomAD exomes 0.00063 and 0.00113; ExAC 0.00094.
gnomAD v4.1: 1,066 of 1,611,636 alleles (0.066%); highest among the groups gnomAD compares: South Asian, 0.32%; 3 homozygotes.

Submissions (12):

CeGaT Center for Human Genetics Tuebingen
Classification: Likely benign. Last evaluated: 2026-02-01. Review status: criteria provided, single submitter. Criteria: CeGaT Center For Human Genetics Tuebingen Variant Classification Criteria Version 2. Collection method: clinical testing. Allele origin: germline. Affected: yes. Observed: 4 variant alleles.
Comment: NOTCH1: BS1

Labcorp Genetics (formerly Invitae), Labcorp
Classification: Likely benign for Adams-Oliver syndrome 5. Last evaluated: 2026-02-01. Review status: criteria provided, single submitter. Criteria: Invitae Variant Classification Sherloc (09022015). Collection method: clinical testing. Allele origin: germline.

Blueprint Genetics
Classification: Likely benign. Last evaluated: 2024-11-27. Review status: criteria provided, single submitter. Criteria: ACMG Guidelines, 2015. Collection method: clinical testing. Allele origin: germline.

Women's Health and Genetics/Laboratory Corporation of America, LabCorp
Classification: Likely benign. Last evaluated: 2023-07-21. Review status: criteria provided, single submitter. Criteria: LabCorp Variant Classification Summary - May 2015. Collection method: clinical testing. Allele origin: germline.

Genome-Nilou Lab
Classification: Benign for Adams-Oliver syndrome 5. Last evaluated: 2022-03-15. Review status: criteria provided, single submitter. Criteria: ACMG Guidelines, 2015. Collection method: clinical testing. Allele origin: germline. Affected: no.

Genome-Nilou Lab
Classification: Benign for Aortic valve disease 1. Last evaluated: 2022-03-15. Review status: criteria provided, single submitter. Criteria: ACMG Guidelines, 2015. Collection method: clinical testing. Allele origin: germline. Affected: no.

CHEO Genetics Diagnostic Laboratory, Children's Hospital of Eastern Ontario
Classification: Benign for Familial thoracic aortic aneurysm and aortic dissection. Last evaluated: 2018-03-27. Review status: criteria provided, single submitter. Criteria: ACMG Guidelines, 2015. Collection method: clinical testing. Allele origin: germline.

Ambry Genetics
Classification: Likely benign for Familial thoracic aortic aneurysm and aortic dissection. Last evaluated: 2018-01-09. Review status: criteria provided, single submitter. Criteria: Ambry Variant Classification Scheme 2023. Collection method: clinical testing. Allele origin: germline.

GeneDx
Classification: Likely benign. Last evaluated: 2017-06-15. Review status: criteria provided, single submitter. Criteria: GeneDx Variant Classification (06012015). Collection method: clinical testing. Allele origin: germline. Affected: yes.
Comment: This variant is considered likely benign or benign based on one or more of the following criteria: it is a conservative change, it occurs at a poorly conserved position in the protein, it is predicted to be benign by multiple in silico algorithms, and/or has population frequency not consistent with disease.

Center for Human Genetics, Inc
Classification: Likely benign for Connective tissue disorder. Last evaluated: 2016-11-01. Review status: criteria provided, single submitter. Criteria: ACMG Guidelines, 2015. Collection method: clinical testing. Allele origin: germline. Affected: yes.

PreventionGenetics, part of Exact Sciences
Classification: Benign for NOTCH1-related condition. Last evaluated: 2019-12-20. Review status: no assertion criteria provided. Collection method: clinical testing. Allele origin: germline. Not counted in ClinVar's aggregate classification.
Comment: This variant is classified as benign based on ACMG/AMP sequence variant interpretation guidelines (Richards et al. 2015 PMID: 25741868, with internal and published modifications).

ITMI
No classification provided. Condition: AllHighlyPenetrant. Last evaluated: 2013-09-19. Review status: no classification provided. Collection method: reference population. Allele origin: germline. Not counted in ClinVar's aggregate classification.
Comment: Please see associated publication for description of ethnicities

Literature cited by the submitters: PubMed 24943832 (cited by Women's Health and Genetics/Laboratory Corporation of America, LabCorp); PubMed 16614245 (cited by Women's Health and Genetics/Laboratory Corporation of America, LabCorp); PubMed 21670202 (cited by Women's Health and Genetics/Laboratory Corporation of America, LabCorp); PubMed 22210878 (cited by Women's Health and Genetics/Laboratory Corporation of America, LabCorp); PubMed 19635999 (cited by Women's Health and Genetics/Laboratory Corporation of America, LabCorp); PubMed 26837699 (cited by Women's Health and Genetics/Laboratory Corporation of America, LabCorp); PubMed 23086750 (cited by Women's Health and Genetics/Laboratory Corporation of America, LabCorp); PubMed 19245433 (cited by Women's Health and Genetics/Laboratory Corporation of America, LabCorp); PubMed 22077063 (cited by Women's Health and Genetics/Laboratory Corporation of America, LabCorp); PubMed 15472075 (cited by Women's Health and Genetics/Laboratory Corporation of America, LabCorp); PubMed 23734977 (cited by Women's Health and Genetics/Laboratory Corporation of America, LabCorp); PubMed 22858860 (cited by Women's Health and Genetics/Laboratory Corporation of America, LabCorp); PubMed 24728327 (cited by ITMI).

NM_017617.5(NOTCH1):c.311A>G (p.Asn104Ser)

Gene: NOTCH1 (notch receptor 1; minus strand). Cytogenetic location: 9q34.3.
Variant type: single nucleotide variant.
Coding change: c.311A>G on transcript NM_017617.5 (MANE Select); coding-DNA position 311, A replaced by G.
Protein change: p.Asn104Ser; replaces asparagine 104 with serine.
Molecular consequence: missense variant.
Genome position (GRCh38, 1-based): chr9:136,523,809, T>C on the plus strand (A>G on the coding strand, the complement: NOTCH1 is on the minus strand). VCF-style: chr9-136523809-T-C. GRCh37 (hg19) VCF-style: chr9-139418261-T-C.
Other names: c.311A>G, p.Asn104Ser (LRG_1122t1); c.311A>G (NM_017617.4); short protein forms N104S.
Identifiers: ClinVar variation 134942 (VCV000134942.45), dbSNP rs199654211, ClinGen allele CA161211.